The following is an entry in ClinVar:

ClinVar aggregate classification (germline): Benign. Review status: criteria provided, multiple submitters, no conflicts (2 of 4 stars). 7 submissions from 7 submitters: Benign (7). Last evaluated 2026-02-04.

Conditions:
Congenital stationary night blindness 1C. Also called: Night blindness, congenital stationary (complete), 1C, autosomal recessive. Identifiers: Orphanet 215, MedGen C2750747, MONDO:0013183, OMIM 613216.

Allele frequency attached by ClinVar (database versions not stated): ESP Exome Variant Server 0.43899; gnomAD 0.47013 and 0.48002; TOPMed 0.47355; 1000 Genomes Project 30x 0.50843; gnomAD exomes 0.55759 and 0.55468; 1000 Genomes Project 0.51917; ExAC 0.54193.
gnomAD v4.1: 887,915 of 1,613,692 alleles (55%); highest among the groups gnomAD compares: East Asian, 91%; 252,022 homozygotes.

Submissions (7):

Labcorp Genetics (formerly Invitae), Labcorp
Classification: Benign. Last evaluated: 2026-02-04. Review status: criteria provided, single submitter. Criteria: Invitae Variant Classification Sherloc (09022015). Collection method: clinical testing. Allele origin: germline.

Blueprint Genetics
Classification: Benign. Last evaluated: 2024-11-28. Review status: criteria provided, single submitter. Criteria: ACMG Guidelines, 2015. Collection method: clinical testing. Allele origin: germline.

Genome-Nilou Lab
Classification: Benign for Congenital stationary night blindness 1C. Last evaluated: 2021-09-10. Review status: criteria provided, single submitter. Criteria: ACMG Guidelines, 2015. Collection method: clinical testing. Allele origin: germline. Affected: no.

Illumina Laboratory Services, Illumina
Classification: Benign for Congenital stationary night blindness 1C. Last evaluated: 2018-01-12. Review status: criteria provided, single submitter. Criteria: ICSL Variant Classification Criteria 13 December 2019. Collection method: clinical testing. Allele origin: germline.
Comment: This variant was observed in the ICSL laboratory as part of a predisposition screen in an ostensibly healthy population. It had not been previously curated by ICSL or reported in the Human Gene Mutation Database (HGMD: prior to June 1st, 2018), and was therefore a candidate for classification through an automated scoring system. Utilizing variant allele frequency, disease prevalence and penetrance estimates, and inheritance mode, an automated score was calculated to assess if this variant is too frequent to cause the disease. Based on the score and internal cut-off values, a variant classified as benign is not then subjected to further curation. The score for this variant resulted in a classification of benign for this disease.

Eurofins Ntd Llc (ga)
Classification: Benign. Last evaluated: 2015-03-11. Review status: criteria provided, single submitter. Criteria: EGL Classification Definitions 2015. Collection method: clinical testing. Allele origin: germline. Observed: 45 variant alleles, 33 heterozygotes, 12 homozygotes.

GeneDx
Classification: Benign. Last evaluated: 2015-03-03. Review status: criteria provided, single submitter. Criteria: GeneDx Variant Classification Process June 2021. Collection method: clinical testing. Allele origin: germline. Affected: yes.

Breakthrough Genomics
Classification: Benign. Review status: criteria provided, single submitter. Criteria: ACMG Guidelines, 2015. Collection method: not provided. Allele origin: germline. Inheritance: Unknown mechanism. Affected: yes.

NM_001252024.2(TRPM1):c.1305G>A (p.Thr435=)

Gene: TRPM1 (transient receptor potential cation channel subfamily M member 1; minus strand). Cytogenetic location: 15q13.3.
Variant type: single nucleotide variant.
Coding change: c.1305G>A on transcript NM_001252024.2 (MANE Select); coding-DNA position 1305, G replaced by A.
Protein change: p.Thr435=; no amino-acid change (threonine 435 retained).
Molecular consequence: synonymous variant.
Genome position (GRCh38, 1-based): chr15:31,050,541, C>T on the plus strand (G>A on the coding strand, the complement: TRPM1 is on the minus strand). VCF-style: chr15-31050541-C-T. GRCh37 (hg19) VCF-style: chr15-31342744-C-T.
Other names: c.1356G>A, p.Thr452= (NM_001252020.2); c.1239G>A, p.Thr413= (NM_002420.6).
Identifiers: ClinVar variation 193856 (VCV000193856.24), dbSNP rs1035705, ClinGen allele CA200819.